The following is an entry in ClinVar:

ClinVar aggregate classification (germline): Benign/Likely benign. Review status: criteria provided, multiple submitters, no conflicts (2 of 4 stars). 9 submissions from 9 submitters: Benign (4); Likely benign (4). 1 of the submissions does not count toward it. Last evaluated 2026-02-03.

Conditions:
HOXB13-related disorder. Also called: HOXB13-related condition; HOXB13-related disorders.
Prostate cancer, hereditary, 9 (HPC9). Identifiers: Orphanet 1331, MedGen C1970250, MONDO:0012597, OMIM 610997.
Hereditary cancer-predisposing syndrome. Also called: Tumor predisposition; Neoplastic Syndromes, Hereditary; Hereditary neoplastic syndrome; Hereditary Cancer Syndrome. Identifiers: Orphanet 140162, MedGen C0027672, MeSH D009386, MONDO:0015356.

Allele frequency attached by ClinVar (database versions not stated): gnomAD 0.00022 and 0.00025; TOPMed 0.00028; ESP Exome Variant Server 0.00046; 1000 Genomes Project 30x 0.00047; 1000 Genomes Project 0.00060.
gnomAD v4.1: 596 of 1,603,214 alleles (0.037%); highest among the groups gnomAD compares: Middle Eastern, 0.066%; 1 homozygote.

Submissions (9):

Labcorp Genetics (formerly Invitae), Labcorp
Classification: Likely benign. Last evaluated: 2026-02-03. Review status: criteria provided, single submitter. Criteria: Invitae Variant Classification Sherloc (09022015). Collection method: clinical testing. Allele origin: germline.

Quest Diagnostics Nichols Institute San Juan Capistrano
Classification: Benign. Last evaluated: 2025-10-14. Review status: criteria provided, single submitter. Criteria: Quest Diagnostics criteria. Collection method: clinical testing. Allele origin: unknown.

Myriad Genetics, Inc.
Classification: Likely benign for Prostate cancer, hereditary, 9. Last evaluated: 2024-10-30. Review status: criteria provided, single submitter. Criteria: Myriad Autosomal Dominant, Autosomal Recessive and X-Linked Classification Criteria (2023). Collection method: clinical testing. Allele origin: unknown.
Comment: This variant is considered likely benign. This variant is intronic and is not expected to impact mRNA splicing.

Blueprint Genetics
Classification: Likely benign. Last evaluated: 2024-09-10. Review status: criteria provided, single submitter. Criteria: ACMG Guidelines, 2015. Collection method: clinical testing. Allele origin: germline.

KCCC/NGS Laboratory, Kuwait Cancer Control Center
Classification: Benign for Prostate cancer, hereditary, 9. Last evaluated: 2023-07-07. Review status: criteria provided, single submitter. Criteria: ACMG Guidelines, 2015. Collection method: clinical testing. Allele origin: germline. Affected: yes.

Women's Health and Genetics/Laboratory Corporation of America, LabCorp
Classification: Benign. Last evaluated: 2022-05-10. Review status: criteria provided, single submitter. Criteria: LabCorp Variant Classification Summary - May 2015. Collection method: clinical testing. Allele origin: germline.
Comment: Variant summary: HOXB13 c.602-9G>A alters a non-conserved nucleotide located close to a canonical splice site and therefore could affect mRNA splicing, leading to a significantly altered protein sequence. 4/4 computational tools predict no significant impact on normal splicing, however, these predictions have yet to be confirmed by functional studies. The variant allele was found at a frequency of 0.00026 in 242640 control chromosomes (gnomAD), predominantly at a frequency of 0.00037 within the Non-Finnish European subpopulation in the gnomAD database, including 1 homozygote. The observed variant frequency within Non-Finnish European control individuals in the gnomAD database is approximately 44 fold of the estimated maximal expected allele frequency for a pathogenic variant in HOXB13 causing Prostate Cancer phenotype (8.3e-06), strongly suggesting that the variant is a benign polymorphism found primarily in populations of Non-Finnish European origin. c.602-9G>A has been reported in the literature in one individual affected with Prostate Cancer (Maia_2015). This report does not provide unequivocal conclusions about association of the variant with Prostate Cancer. Co-occurrences with one other pathogenic variant has been reported in our laboratory (BRCA2 c.3922G>T, p.Glu1308Ter), providing supporting evidence for a benign role. To our knowledge, no experimental evidence demonstrating an impact on protein function has been reported. One ClinVar submitter has assessed the variant since 2014: the variant was classified as likely benign. Based on the evidence outlined above, the variant was classified as benign.

Sema4
Classification: Likely benign for Hereditary cancer-predisposing syndrome. Last evaluated: 2021-02-24. Review status: criteria provided, single submitter. Criteria: Sema4 Curation Guidelines. Collection method: curation. Allele origin: germline.

GeneDx
Classification: Benign. Last evaluated: 2014-02-05. Review status: criteria provided, single submitter. Criteria: GeneDx Variant Classification (06012015). Collection method: clinical testing. Allele origin: germline. Affected: yes.
Comment: This variant is considered likely benign or benign based on one or more of the following criteria: it is a conservative change, it occurs at a poorly conserved position in the protein, it is predicted to be benign by multiple in silico algorithms, and/or has population frequency not consistent with disease.

PreventionGenetics, part of Exact Sciences
Classification: Likely benign for HOXB13-related condition. Last evaluated: 2019-03-18. Review status: no assertion criteria provided. Collection method: clinical testing. Allele origin: germline. Not counted in ClinVar's aggregate classification.
Comment: This variant is classified as likely benign based on ACMG/AMP sequence variant interpretation guidelines (Richards et al. 2015 PMID: 25741868, with internal and published modifications).

Literature cited by the submitters: PubMed 26176944 (cited by Quest Diagnostics Nichols Institute San Juan Capistrano and Women's Health and Genetics/Laboratory Corporation of America, LabCorp).

NM_006361.6(HOXB13):c.602-9G>A

Gene: HOXB13 (homeobox B13; minus strand). Cytogenetic location: 17q21.32.
Variant type: single nucleotide variant.
Coding change: c.602-9G>A on transcript NM_006361.6 (MANE Select); 9 bases into the intron before coding-DNA position 602, G replaced by A.
Molecular consequence: intron variant.
Genome position (GRCh38, 1-based): chr17:48,727,052, C>T on the plus strand (G>A on the coding strand, the complement: HOXB13 is on the minus strand). VCF-style: chr17-48727052-C-T. GRCh37 (hg19) VCF-style: chr17-46804414-C-T.
Identifiers: ClinVar variation 182503 (VCV000182503.19), dbSNP rs148901331, ClinGen allele CA299230.